The following is an entry in ClinVar:

NM_152415.3(VPS37A):c.96G>C (p.Leu32=)

Gene: VPS37A (VPS37A subunit of ESCRT-I; plus strand). Cytogenetic location: 8p22.
Variant type: single nucleotide variant.
Coding change: c.96G>C on transcript NM_152415.3 (MANE Select); coding-DNA position 96, G replaced by C.
Protein change: p.Leu32=; no amino-acid change (leucine 32 retained).
Molecular consequence: synonymous variant. On other transcripts: 5 prime UTR variant (5).
Genome position (GRCh38, 1-based): chr8:17,247,340, G>C. VCF-style: chr8-17247340-G-C. GRCh37 (hg19) VCF-style: chr8-17104849-G-C.
Other names: c.96G>C, p.Leu32= (NM_001145152.2, NM_001363167.1, NM_001363173.2); c.-220G>C (NM_001363168.1, NM_001363170.1, NM_001363172.2); c.-170G>C (NM_001363169.1, NM_001363171.1).
Identifiers: ClinVar variation 540285 (VCV000540285.10), dbSNP rs199577037, ClinGen allele CA4643098.

ClinVar aggregate classification (germline): Likely benign. Review status: criteria provided, single submitter (1 of 4 stars). 2 submissions from 2 submitters: Likely benign (1). 1 of the submissions does not count toward it. Last evaluated 2025-12-08.

Conditions:
VPS37A-related disorder. Also called: VPS37A-related condition.
Hereditary spastic paraplegia 53. Also called: Spastic paraplegia 53, autosomal recessive. Identifiers: Orphanet 319199, MedGen C3539494, MONDO:0013962, OMIM 614898.

Allele frequency attached by ClinVar (database versions not stated): gnomAD 0.00007 and 0.00019; TOPMed 0.00017; gnomAD exomes 0.00051; ExAC 0.00080; 1000 Genomes Project 30x 0.00109; 1000 Genomes Project 0.00120.
gnomAD v4.1: 495 of 1,523,514 alleles (0.032%); highest among the groups gnomAD compares: East Asian, 0.8%; 4 homozygotes.

Submissions (2):

Labcorp Genetics (formerly Invitae), Labcorp
Classification: Likely benign for Hereditary spastic paraplegia 53. Last evaluated: 2025-12-08. Review status: criteria provided, single submitter. Criteria: Invitae Variant Classification Sherloc (09022015). Collection method: clinical testing. Allele origin: germline.

PreventionGenetics, part of Exact Sciences
Classification: Likely benign for VPS37A-related condition. Last evaluated: 2019-03-20. Review status: no assertion criteria provided. Collection method: clinical testing. Allele origin: germline. Not counted in ClinVar's aggregate classification.
Comment: This variant is classified as likely benign based on ACMG/AMP sequence variant interpretation guidelines (Richards et al. 2015 PMID: 25741868, with internal and published modifications).